The following is an entry in ClinVar:

ClinVar aggregate classification (germline): Uncertain significance. Review status: criteria provided, multiple submitters, no conflicts (2 of 4 stars). 3 submissions from 3 submitters: Uncertain significance (3). Last evaluated 2025-01-11.

Conditions:
Tuberous sclerosis 1 (TSC1). Identifiers: Orphanet 805, MedGen C1854465, MONDO:0008612, OMIM 191100.
Hereditary cancer-predisposing syndrome. Also called: Neoplastic Syndromes, Hereditary; Hereditary Cancer Syndrome; Tumor predisposition; Hereditary neoplastic syndrome. Identifiers: Orphanet 140162, MedGen C0027672, MeSH D009386, MONDO:0015356.

Submissions (3):

Ambry Genetics
Classification: Uncertain significance for Hereditary cancer-predisposing syndrome. Last evaluated: 2025-01-11. Review status: criteria provided, single submitter. Criteria: Ambry Variant Classification Scheme 2023. Collection method: clinical testing. Allele origin: germline.
Comment: The p.M318L variant (also known as c.952A>T), located in coding exon 8 of the TSC1 gene, results from an A to T substitution at nucleotide position 952. The methionine at codon 318 is replaced by leucine, an amino acid with highly similar properties. This amino acid position is conserved. In addition, the in silico prediction for this alteration is inconclusive. Based on the available evidence, the clinical significance of this variant remains unclear.

GeneDx
Classification: Uncertain significance. Last evaluated: 2023-08-27. Review status: criteria provided, single submitter. Criteria: GeneDx Variant Classification Process June 2021. Collection method: clinical testing. Allele origin: germline. Affected: yes.
Comment: Not observed at significant frequency in large population cohorts (gnomAD); In silico analysis supports that this missense variant does not alter protein structure/function; Has not been previously published as pathogenic or benign to our knowledge; This variant is associated with the following publications: (PMID: 18466115)

Labcorp Genetics (formerly Invitae), Labcorp
Classification: Uncertain significance for Tuberous sclerosis 1. Last evaluated: 2021-10-09. Review status: criteria provided, single submitter. Criteria: Invitae Variant Classification Sherloc (09022015). Collection method: clinical testing. Allele origin: germline.
Comment: In summary, the available evidence is currently insufficient to determine the role of this variant in disease. Therefore, it has been classified as a Variant of Uncertain Significance. Algorithms developed to predict the effect of missense changes on protein structure and function (SIFT, PolyPhen-2, Align-GVGD) all suggest that this variant is likely to be tolerated. This variant has not been reported in the literature in individuals affected with TSC1-related conditions. This variant is not present in population databases (ExAC no frequency). This sequence change replaces methionine with leucine at codon 318 of the TSC1 protein (p.Met318Leu). The methionine residue is weakly conserved and there is a small physicochemical difference between methionine and leucine.

NM_000368.5(TSC1):c.952A>T (p.Met318Leu)

Gene: TSC1 (TSC complex subunit 1; minus strand). Cytogenetic location: 9q34.13.
Variant type: single nucleotide variant.
Coding change: c.952A>T on transcript NM_000368.5 (MANE Select); coding-DNA position 952, A replaced by T.
Protein change: p.Met318Leu; replaces methionine 318 with leucine.
Molecular consequence: missense variant.
Genome position (GRCh38, 1-based): chr9:132,911,530, T>A on the plus strand (A>T on the coding strand, the complement: TSC1 is on the minus strand). VCF-style: chr9-132911530-T-A. GRCh37 (hg19) VCF-style: chr9-135786917-T-A.
Other names: c.952A>T, p.Met318Leu (NM_001162426.2); c.799A>T, p.Met267Leu (NM_001162427.2); c.589A>T, p.Met197Leu (NM_001362177.2); c.952A>T (NM_000368.4); short protein forms M197L, M267L, M318L.
Identifiers: ClinVar variation 1441676 (VCV001441676.8), dbSNP rs1392501159, ClinGen allele CA375368693.